The following is an entry in ClinVar:

NM_177438.3(DICER1):c.2651-3A>G

Gene: DICER1 (dicer 1, ribonuclease III; minus strand). Cytogenetic location: 14q32.13.
Variant type: single nucleotide variant.
Coding change: c.2651-3A>G on transcript NM_177438.3 (MANE Select); 3 bases into the intron before coding-DNA position 2651, A replaced by G.
Molecular consequence: intron variant.
Genome position (GRCh38, 1-based): chr14:95,107,764, T>C on the plus strand (A>G on the coding strand, the complement: DICER1 is on the minus strand). VCF-style: chr14-95107764-T-C. GRCh37 (hg19) VCF-style: chr14-95574101-T-C.
Other names: c.2651-3A>G (NM_177438.2, NM_001271282.3, NM_001195573.1 and 2 more transcripts).
Identifiers: ClinVar variation 1490645 (VCV001490645.8), dbSNP rs764440752, ClinGen allele CA2573150471.

ClinVar aggregate classification (germline): Uncertain significance. Review status: criteria provided, multiple submitters, no conflicts (2 of 4 stars). 2 submissions from 2 submitters: Uncertain significance (2). Last evaluated 2026-04-14.

Conditions:
DICER1-related tumor predisposition. Also called: DICER1 syndrome; DICER1-related pleuropulmonary blastoma cancer predisposition syndrome. Identifiers: Orphanet 284343, MedGen C3839822, MONDO:0100216.
Hereditary cancer-predisposing syndrome. Also called: Tumor predisposition; Neoplastic Syndromes, Hereditary; Hereditary Cancer Syndrome; Hereditary neoplastic syndrome. Identifiers: Orphanet 140162, MedGen C0027672, MeSH D009386, MONDO:0015356.

Submissions (2):

Ambry Genetics
Classification: Uncertain significance for Hereditary cancer-predisposing syndrome. Last evaluated: 2026-04-14. Review status: criteria provided, single submitter. Criteria: Ambry Variant Classification Scheme 2023. Collection method: clinical testing. Allele origin: germline.
Comment: The c.2651-3A>G intronic variant results from an A to G substitution 3 nucleotides upstream from coding exon 16 in the DICER1 gene. This nucleotide position is well conserved in available vertebrate species. In silico splice site analysis predicts that this alteration may result in the creation or strengthening of a novel splice acceptor site. Based on the available evidence, the clinical significance of this variant remains unclear.

Labcorp Genetics (formerly Invitae), Labcorp
Classification: Uncertain significance for DICER1-related tumor predisposition. Last evaluated: 2024-01-21. Review status: criteria provided, single submitter. Criteria: Invitae Variant Classification Sherloc (09022015). Collection method: clinical testing. Allele origin: germline.
Comment: This sequence change falls in intron 16 of the DICER1 gene. It does not directly change the encoded amino acid sequence of the DICER1 protein. It affects a nucleotide within the consensus splice site. This variant is not present in population databases (gnomAD no frequency). This variant has not been reported in the literature in individuals affected with DICER1-related conditions. ClinVar contains an entry for this variant (Variation ID: 1490645). Variants that disrupt the consensus splice site are a relatively common cause of aberrant splicing (PMID: 17576681, 9536098). Algorithms developed to predict the effect of sequence changes on RNA splicing suggest that this variant may disrupt the consensus splice site. In summary, the available evidence is currently insufficient to determine the role of this variant in disease. Therefore, it has been classified as a Variant of Uncertain Significance.

Literature cited by the submitters: PubMed 17576681 (cited by Labcorp Genetics (formerly Invitae), Labcorp); PubMed 9536098 (cited by Labcorp Genetics (formerly Invitae), Labcorp).